The following is an entry in ClinVar:

ClinVar aggregate classification (germline): Uncertain significance. Review status: criteria provided, multiple submitters, no conflicts (2 of 4 stars). 3 submissions from 3 submitters: Uncertain significance (2). 1 of the submissions does not count toward it. Last evaluated 2021-05-24.

Conditions:
Pyruvate dehydrogenase complex deficiency (PDHC). Also called: Ataxia with lactic acidosis 1; PDH DEFICIENCY; PYRUVATE DECARBOXYLASE DEFICIENCY; Pyruvate Dehydrogenase Complex Deficiency Disease; Pyruvate dehydrogenase deficiency. Identifiers: Orphanet 765, Orphanet 79243, MedGen C0034345, MONDO:0019169.

Allele frequency attached by ClinVar (database versions not stated): gnomAD exomes 0.00001 and 0.00003.

Submissions (3):

Athena Diagnostics
Classification: Uncertain significance. Last evaluated: 2021-05-24. Review status: criteria provided, single submitter. Criteria: Athena Diagnostics Criteria. Collection method: clinical testing. Allele origin: unknown.

Women's Health and Genetics/Laboratory Corporation of America, LabCorp
Classification: Uncertain significance. Last evaluated: 2020-04-30. Review status: criteria provided, single submitter. Criteria: LabCorp Variant Classification Summary - May 2015. Collection method: clinical testing. Allele origin: germline.
Comment: Variant summary: PDHA1 c.900-2dupA is located in a canonical splice-site however results in the preservation of the cannonical AG sequence. Several computational tools predict a significant impact on normal splicing: Two predict the variant abolishes a 3' acceptor site. Two predict the variant weakens a 3' acceptor site. However, these predictions have yet to be confirmed by functional studies. The variant allele was found at a frequency of 5.5e-06 in 183408 control chromosomes. To our knowledge, no occurrence of c.900-2dupA in individuals affected with Pyruvate Dehydrogenase Deficiency and no experimental evidence demonstrating its impact on protein function have been reported. No clinical diagnostic laboratories have submitted clinical-significance assessments for this variant to ClinVar after 2014. Based on the evidence outlined above, the variant was classified as VUS - possibly pathogenic.

Natera, Inc.
Classification: Uncertain significance for Pyruvate decarboxylase deficiency. Last evaluated: 2021-03-10. Review status: no assertion criteria provided. Collection method: clinical testing. Allele origin: germline. Not counted in ClinVar's aggregate classification.

NM_000284.4(PDHA1):c.900-2dup

Gene: PDHA1 (pyruvate dehydrogenase E1 subunit alpha 1; plus strand). Cytogenetic location: Xp22.12.
Variant type: Duplication.
Coding change: c.900-2dup on transcript NM_000284.4 (MANE Select); the canonical splice acceptor site of the intron before coding-DNA position 900, one base duplicated (A; older notation c.900-2dupA).
Molecular consequence: splice acceptor variant.
Genome position (GRCh38, 1-based): chrX:19,358,914, A duplicated. VCF-style (leftmost placement, unchanged base first): chrX-19358913-T-TA. GRCh37 (hg19) VCF-style: chrX-19377031-T-TA.
Other names: c.900-2dupA (NM_000284.3); c.1014-2dup (NM_001173454.2); c.921-2dup (NM_001173455.2); c.807-2dup (NM_001173456.2).
Identifiers: ClinVar variation 917796 (VCV000917796.4), dbSNP rs779132922, ClinGen allele CA327030516.